The following is an entry in ClinVar:

NM_001270508.2(TNFAIP3):c.2363T>A (p.Met788Lys)

Gene: TNFAIP3 (TNF alpha induced protein 3; plus strand). Cytogenetic location: 6q23.3.
Variant type: single nucleotide variant.
Coding change: c.2363T>A on transcript NM_001270508.2 (MANE Select); coding-DNA position 2363, T replaced by A.
Protein change: p.Met788Lys; replaces methionine 788 with lysine.
Molecular consequence: missense variant.
Genome position (GRCh38, 1-based): chr6:137,881,309, T>A. VCF-style: chr6-137881309-T-A. GRCh37 (hg19) VCF-style: chr6-138202446-T-A.
Other names: c.2363T>A, p.Met788Lys (NM_001270507.2, NM_006290.4); short protein forms M788K.
Identifiers: ClinVar variation 1716356 (VCV001716356.5), dbSNP rs2482775913, ClinGen allele CA365798354.

ClinVar aggregate classification (germline): Uncertain significance (1 of 4 stars; one submission).

Submission:

Labcorp Genetics (formerly Invitae), Labcorp
Classification: Uncertain significance. Last evaluated: 2022-11-29. Review status: criteria provided, single submitter. Criteria: Invitae Variant Classification Sherloc (09022015). Collection method: clinical testing. Allele origin: germline.
Comment: This sequence change replaces methionine, which is neutral and non-polar, with lysine, which is basic and polar, at codon 788 of the TNFAIP3 protein (p.Met788Lys). In summary, the available evidence is currently insufficient to determine the role of this variant in disease. Therefore, it has been classified as a Variant of Uncertain Significance. Algorithms developed to predict the effect of missense changes on protein structure and function are either unavailable or do not agree on the potential impact of this missense change (SIFT: "Deleterious"; PolyPhen-2: "Benign"; Align-GVGD: "Class C0"). This variant has not been reported in the literature in individuals affected with TNFAIP3-related conditions. This variant is not present in population databases (gnomAD no frequency).